The following is an entry in ClinVar:

NM_007294.4(BRCA1):c.4847C>T (p.Ala1616Val)

Gene: BRCA1 (BRCA1 DNA repair associated; minus strand). Cytogenetic location: 17q21.31.
Variant type: single nucleotide variant.
Coding change: c.4847C>T on transcript NM_007294.4 (MANE Select); coding-DNA position 4847, C replaced by T.
Protein change: p.Ala1616Val; replaces alanine 1616 with valine.
Molecular consequence: missense variant. On other transcripts: non-coding transcript variant (1).
Genome position (GRCh38, 1-based): chr17:43,071,067, G>A on the plus strand (C>T on the coding strand, the complement: BRCA1 is on the minus strand). VCF-style: chr17-43071067-G-A. GRCh37 (hg19) VCF-style: chr17-41223084-G-A.
Other names: c.1409C>T, p.Ala470Val (NM_001408450.1, NM_001408445.1, NM_001408446.1 and 2 more transcripts); c.1403C>T, p.Ala468Val (NM_001408451.1); c.4580C>T, p.Ala1527Val (NM_001407928.1, NM_001407929.1, NM_001407930.1 and 4 more transcripts); c.4577C>T, p.Ala1526Val (NM_001407936.1, NM_001407934.1, NM_001407935.1); c.4724C>T, p.Ala1575Val (NM_001407937.1, NM_001407664.1, NM_001407665.1 and 6 more transcripts); c.1397C>T, p.Ala466Val (NM_001408452.1, NM_001408455.1, NM_001408456.1 and 3 more transcripts); c.1394C>T, p.Ala465Val (NM_001408458.1, NM_001408459.1, NM_001408460.1 and 7 more transcripts); c.1415C>T, p.Ala472Val (NM_001408430.1, NM_001408431.1, NM_001408425.1 and 4 more transcripts); and 70 more; short protein forms A1569V, A512V, A1616V, A1637V, A1503V, A1504V, A1549V, A1567V.
Identifiers: ClinVar variation 923712 (VCV000923712.10), dbSNP rs2052395711, ClinGen allele CA10591829.
Genomic context (GRCh38, chr17:43,071,067, plus strand): 5'-TTCTCCCTGCTCACACTTTCTTCCATTGCATTATACCCAGCAGTATCAGTAGTATGAGCA[G>A]CAGCTGGACTCTGGGCAGATTCTGCAACTTTCAATTGGGGAACTTTCAATGCAGAGGTTG-3'
Protein context (NP_009225.1, residues 1606-1626): KVAESAQSPA[Ala1616Val]AHTTDTAGYN

ClinVar aggregate classification (germline): Uncertain significance. Review status: criteria provided, multiple submitters, no conflicts (2 of 4 stars). 3 submissions from 3 submitters: Uncertain significance (3). Last evaluated 2023-04-05.

Conditions:
Hereditary cancer-predisposing syndrome. Also called: Neoplastic Syndromes, Hereditary; Tumor predisposition; Hereditary Cancer Syndrome; Hereditary neoplastic syndrome. Identifiers: Orphanet 140162, MedGen C0027672, MeSH D009386, MONDO:0015356.
Hereditary breast ovarian cancer syndrome. Also called: BRCA1- and BRCA2-Associated Hereditary Breast and Ovarian Cancer; Hereditary breast and ovarian cancer syndrome; Hereditary breast and ovarian cancer; Hereditary breast and ovarian cancer syndrome (HBOC); Breast and ovarian cancer; Hereditary breast and/or ovarian cancer syndrome. Identifiers: Orphanet 145, MedGen C0677776, MeSH D061325, MONDO:0003582. Disease mechanism: loss of function.

Allele frequency attached by ClinVar (database versions not stated): gnomAD exomes below 0.00001.
gnomAD v4.1: 1 of 1,614,192 alleles (0.000062%); highest among the groups gnomAD compares: Admixed American, 0.0017%; no homozygotes.

Submissions (3):

Ambry Genetics
Classification: Uncertain significance for Hereditary cancer-predisposing syndrome. Last evaluated: 2023-04-05. Review status: criteria provided, single submitter. Criteria: Ambry Variant Classification Scheme 2023. Collection method: clinical testing. Allele origin: germline.
Comment: The p.A1616V variant (also known as c.4847C>T), located in coding exon 14 of the BRCA1 gene, results from a C to T substitution at nucleotide position 4847. The alanine at codon 1616 is replaced by valine, an amino acid with similar properties. This amino acid position is not well conserved in available vertebrate species. In addition, the in silico prediction for this alteration is inconclusive. Since supporting evidence is limited at this time, the clinical significance of this alteration remains unclear.

Labcorp Genetics (formerly Invitae), Labcorp
Classification: Uncertain significance for Hereditary breast ovarian cancer syndrome. Last evaluated: 2022-06-13. Review status: criteria provided, single submitter. Criteria: Invitae Variant Classification Sherloc (09022015). Collection method: clinical testing. Allele origin: germline.
Comment: This missense change has been observed in individual(s) with breast cancer (PMID: 23982851). In summary, the available evidence is currently insufficient to determine the role of this variant in disease. Therefore, it has been classified as a Variant of Uncertain Significance. Advanced modeling of protein sequence and biophysical properties (such as structural, functional, and spatial information, amino acid conservation, physicochemical variation, residue mobility, and thermodynamic stability) performed at Invitae indicates that this missense variant is not expected to disrupt BRCA1 protein function. ClinVar contains an entry for this variant (Variation ID: 923712). This variant is not present in population databases (gnomAD no frequency). This sequence change replaces alanine, which is neutral and non-polar, with valine, which is neutral and non-polar, at codon 1616 of the BRCA1 protein (p.Ala1616Val).

Color Diagnostics, LLC DBA Color Health
Classification: Uncertain significance for Hereditary cancer-predisposing syndrome. Last evaluated: 2019-04-17. Review status: criteria provided, single submitter. Criteria: ACMG Guidelines, 2015. Collection method: clinical testing. Allele origin: germline.

Literature cited by the submitters: PubMed 23982851 (cited by Ambry Genetics and Labcorp Genetics (formerly Invitae), Labcorp).